The following is an entry in ClinVar:

NM_003922.4(HERC1):c.3118A>G (p.Ser1040Gly)

Gene: HERC1 (HECT and RLD domain containing E3 ubiquitin protein ligase family member 1; minus strand). Cytogenetic location: 15q22.31.
Variant type: single nucleotide variant.
Coding change: c.3118A>G on transcript NM_003922.4 (MANE Select); coding-DNA position 3118, A replaced by G.
Protein change: p.Ser1040Gly; replaces serine 1040 with glycine.
Molecular consequence: missense variant.
Genome position (GRCh38, 1-based): chr15:63,729,272, T>C on the plus strand (A>G on the coding strand, the complement: HERC1 is on the minus strand). VCF-style: chr15-63729272-T-C. GRCh37 (hg19) VCF-style: chr15-64021471-T-C.
Other names: c.3118A>G (NM_003922.3); short protein forms S1040G.
Identifiers: ClinVar variation 1910540 (VCV001910540.7), dbSNP rs567722859, ClinGen allele CA272111392.

ClinVar aggregate classification (germline): Uncertain significance. Review status: criteria provided, multiple submitters, no conflicts (2 of 4 stars). 3 submissions from 3 submitters: Uncertain significance (3). Last evaluated 2025-10-06.

Conditions:
Inborn genetic diseases. Identifiers: MedGen C0950123, MeSH D030342.

Allele frequency attached by ClinVar (database versions not stated): gnomAD exomes below 0.00001; gnomAD 0.00003; TOPMed 0.00003; 1000 Genomes Project 30x 0.00016; 1000 Genomes Project 0.00020.
gnomAD v4.1: 11 of 1,607,654 alleles (0.00068%); highest among the groups gnomAD compares: Admixed American, 0.01%; no homozygotes.

Submissions (3):

Ambry Genetics
Classification: Uncertain significance for Inborn genetic diseases. Last evaluated: 2025-10-06. Review status: criteria provided, single submitter. Criteria: Ambry Variant Classification Scheme 2023. Collection method: clinical testing. Allele origin: germline.

Labcorp Genetics (formerly Invitae), Labcorp
Classification: Uncertain significance. Last evaluated: 2023-11-19. Review status: criteria provided, single submitter. Criteria: Invitae Variant Classification Sherloc (09022015). Collection method: clinical testing. Allele origin: germline.
Comment: This sequence change replaces serine, which is neutral and polar, with glycine, which is neutral and non-polar, at codon 1040 of the HERC1 protein (p.Ser1040Gly). This variant is present in population databases (rs567722859, gnomAD 0.009%). This variant has not been reported in the literature in individuals affected with HERC1-related conditions. ClinVar contains an entry for this variant (Variation ID: 1910540). Advanced modeling of protein sequence and biophysical properties (such as structural, functional, and spatial information, amino acid conservation, physicochemical variation, residue mobility, and thermodynamic stability) performed at Invitae indicates that this missense variant is not expected to disrupt HERC1 protein function with a negative predictive value of 80%. In summary, the available evidence is currently insufficient to determine the role of this variant in disease. Therefore, it has been classified as a Variant of Uncertain Significance.

Breakthrough Genomics
Classification: Uncertain significance. Review status: criteria provided, single submitter. Criteria: ACMG Guidelines, 2015. Collection method: not provided. Allele origin: germline. Inheritance: Autosomal recessive inheritance. Affected: yes.